The following is an entry in ClinVar:

ClinVar aggregate classification (germline): Conflicting classifications of pathogenicity. Review status: criteria provided, conflicting classifications (1 of 4 stars). 2 submissions from 2 submitters: Uncertain significance (1); Likely benign (1). Last evaluated 2023-03-23.

Conditions:
Hereditary breast ovarian cancer syndrome. Also called: BRCA1- and BRCA2-Associated Hereditary Breast and Ovarian Cancer; Hereditary breast and ovarian cancer; Hereditary breast and/or ovarian cancer syndrome; Hereditary breast and ovarian cancer syndrome; Hereditary breast and ovarian cancer syndrome (HBOC); Breast and ovarian cancer. Identifiers: Orphanet 145, MedGen C0677776, MeSH D061325, MONDO:0003582. Disease mechanism: loss of function.
Hereditary cancer-predisposing syndrome. Also called: Neoplastic Syndromes, Hereditary; Hereditary Cancer Syndrome; Tumor predisposition; Hereditary neoplastic syndrome. Identifiers: Orphanet 140162, MedGen C0027672, MeSH D009386, MONDO:0015356.

Submissions (2):

University of Washington Department of Laboratory Medicine, University of Washington
Classification: Likely benign for Hereditary cancer-predisposing syndrome. Last evaluated: 2023-03-23. Review status: criteria provided, single submitter. Criteria: Dines et al. (Genet Med. 2020). Collection method: curation. Allele origin: germline.
Comment: Missense variant in a coldspot region where missense variants are very unlikely to be pathogenic (PMID:31911673).

BRCA2 exon 11 coldspot. Reclassification based on statistical prior probability.

Labcorp Genetics (formerly Invitae), Labcorp
Classification: Uncertain significance for Hereditary breast ovarian cancer syndrome. Last evaluated: 2018-01-15. Review status: criteria provided, single submitter. Criteria: Invitae Variant Classification Sherloc (09022015). Collection method: clinical testing. Allele origin: germline.
Comment: In summary, the available evidence is currently insufficient to determine the role of this variant in disease. Therefore, it has been classified as a Variant of Uncertain Significance. Algorithms developed to predict the effect of missense changes on protein structure and function do not agree on the potential impact of this missense change (SIFT: "Tolerated"; PolyPhen-2: "Possibly Damaging"; Align-GVGD: "Class C0"). This variant has not been reported in the literature in individuals with BRCA2-related disease. This variant is not present in population databases (ExAC no frequency). This sequence change replaces glutamic acid with glycine at codon 1608 of the BRCA2 protein (p.Glu1608Gly). The glutamic acid residue is weakly conserved and there is a moderate physicochemical difference between glutamic acid and glycine.

NM_000059.4(BRCA2):c.4823A>G (p.Glu1608Gly)

Gene: BRCA2 (BRCA2 DNA repair associated; plus strand). Cytogenetic location: 13q13.1.
Variant type: single nucleotide variant.
Coding change: c.4823A>G on transcript NM_000059.4 (MANE Select); coding-DNA position 4823, A replaced by G.
Protein change: p.Glu1608Gly; replaces glutamic acid 1608 with glycine.
Molecular consequence: missense variant.
Genome position (GRCh38, 1-based): chr13:32,339,178, A>G. VCF-style: chr13-32339178-A-G. GRCh37 (hg19) VCF-style: chr13-32913315-A-G.
Other names: short protein forms E1608G.
Identifiers: ClinVar variation 574636 (VCV000574636.10), dbSNP rs766855850, ClinGen allele CA387783301.